The following is an entry in ClinVar:

NM_024649.5(BBS1):c.1404G>T (p.Leu468=)

Genes: ZDHHC24 (zDHHC palmitoyltransferase 24; minus strand), BBS1 (Bardet-Biedl syndrome 1; plus strand). Cytogenetic location: 11q13.2.
Variant type: single nucleotide variant.
Coding change: c.1404G>T on transcript NM_024649.5 (MANE Select); coding-DNA position 1404, G replaced by T.
Protein change: p.Leu468=; no amino-acid change (leucine 468 retained).
Molecular consequence: synonymous variant. On other transcripts: intron variant (1).
Genome position (GRCh38, 1-based): chr11:66,529,883, G>T. VCF-style: chr11-66529883-G-T. GRCh37 (hg19) VCF-style: chr11-66297354-G-T.
Other names: c.560-395C>A (NM_001348571.2).
Identifiers: ClinVar variation 4997356 (VCV004997356.1).

ClinVar aggregate classification (germline): Likely benign (1 of 4 stars; one submission).

Conditions:
BBS1-related disorder. Also called: BBS1-related condition.

Submission:

PreventionGenetics, part of Exact Sciences
Classification: Likely benign for BBS1-related condition. Last evaluated: 2025-02-19. Review status: criteria provided, single submitter. Criteria: ACMG Guidelines, 2015. Collection method: clinical testing. Allele origin: germline.
Comment: This variant is classified as likely benign based on ACMG/AMP sequence variant interpretation guidelines (Richards et al. 2015 PMID: 25741868, with internal and published modifications).